The following is an entry in ClinVar:

NM_001352514.2(HLCS):c.489T>G (p.Ile163Met)

Gene: HLCS (holocarboxylase synthetase; minus strand). Cytogenetic location: 21q22.13.
Variant type: single nucleotide variant.
Coding change: c.489T>G on transcript NM_001352514.2 (MANE Select); coding-DNA position 489, T replaced by G.
Protein change: p.Ile163Met; replaces isoleucine 163 with methionine.
Molecular consequence: missense variant. On other transcripts: non-coding transcript variant (2).
Genome position (GRCh38, 1-based): chr21:36,938,836, A>C on the plus strand (T>G on the coding strand, the complement: HLCS is on the minus strand). VCF-style: chr21-36938836-A-C. GRCh37 (hg19) VCF-style: chr21-38311136-A-C.
Other names: c.48T>G, p.Ile16Met (NM_000411.8, NM_001242784.3, NM_001242785.2 and 4 more transcripts); c.48T>G (NM_000411.7); short protein forms I16M, I163M.
Identifiers: ClinVar variation 339974 (VCV000339974.10), dbSNP rs886057079, ClinGen allele CA10652966.

ClinVar aggregate classification (germline): Uncertain significance. Review status: criteria provided, single submitter (1 of 4 stars). 2 submissions from 2 submitters: Uncertain significance (1). 1 of the submissions does not count toward it. Last evaluated 2024-02-17.

Conditions:
Holocarboxylase synthetase deficiency. Also called: MULTIPLE CARBOXYLASE DEFICIENCY, EARLY ONSET. Identifiers: Orphanet 79242, MedGen C0268581, MONDO:0009666, OMIM 253270.

Allele frequency attached by ClinVar (database versions not stated): gnomAD exomes below 0.00001.
gnomAD v4.1: 1 of 1,613,994 alleles (0.000062%); highest among the groups gnomAD compares: Admixed American, 0.0017%; no homozygotes.

Submissions (2):

Labcorp Genetics (formerly Invitae), Labcorp
Classification: Uncertain significance for Holocarboxylase synthetase deficiency. Last evaluated: 2024-02-17. Review status: criteria provided, single submitter. Criteria: Invitae Variant Classification Sherloc (09022015). Collection method: clinical testing. Allele origin: germline.
Comment: This sequence change replaces isoleucine, which is neutral and non-polar, with methionine, which is neutral and non-polar, at codon 16 of the HLCS protein (p.Ile16Met). This variant is not present in population databases (gnomAD no frequency). This variant has not been reported in the literature in individuals affected with HLCS-related conditions. ClinVar contains an entry for this variant (Variation ID: 339974). Advanced modeling of protein sequence and biophysical properties (such as structural, functional, and spatial information, amino acid conservation, physicochemical variation, residue mobility, and thermodynamic stability) performed at Invitae indicates that this missense variant is not expected to disrupt HLCS protein function with a negative predictive value of 95%. Algorithms developed to predict the effect of sequence changes on RNA splicing suggest that this variant may create or strengthen a splice site. In summary, the available evidence is currently insufficient to determine the role of this variant in disease. Therefore, it has been classified as a Variant of Uncertain Significance.

Natera, Inc.
Classification: Uncertain significance for Holocarboxylase synthetase deficiency. Last evaluated: 2025-03-20. Review status: no assertion criteria provided. Collection method: clinical testing. Allele origin: germline. Not counted in ClinVar's aggregate classification.